The following is an entry in ClinVar:

NM_002547.3(OPHN1):c.1789C>T (p.Arg597Ter)

Gene: OPHN1 (oligophrenin 1; minus strand). Cytogenetic location: Xq12.
Variant type: single nucleotide variant.
Coding change: c.1789C>T on transcript NM_002547.3 (MANE Select); coding-DNA position 1789, C replaced by T.
Protein change: p.Arg597Ter; replaces arginine 597 with a stop codon.
Molecular consequence: nonsense.
Genome position (GRCh38, 1-based): chrX:68,073,197, G>A on the plus strand (C>T on the coding strand, the complement: OPHN1 is on the minus strand). VCF-style: chrX-68073197-G-A. GRCh37 (hg19) VCF-style: chrX-67293039-G-A.
Other names: short protein forms R597*.
Identifiers: ClinVar variation 3340962 (VCV003340962.3).

ClinVar aggregate classification (germline): Pathogenic. Review status: criteria provided, multiple submitters, no conflicts (2 of 4 stars). 2 submissions from 2 submitters: Pathogenic (2). Last evaluated 2025-12-18.

gnomAD v4.1: 2 of 1,211,115 alleles (0.00017%); highest among the groups gnomAD compares: Non-Finnish European, 0.00011%; no homozygotes.

Submissions (2):

GeneDx
Classification: Pathogenic. Last evaluated: 2025-12-18. Review status: criteria provided, single submitter. Criteria: GeneDx Variant Classification Process June 2021. Collection method: clinical testing. Allele origin: germline.
Comment: Nonsense variant predicted to result in protein truncation or nonsense mediated decay in a gene for which loss of function is a known mechanism of disease; Not observed at significant frequency in large population cohorts (gnomAD); Has not been previously published as pathogenic or benign to our knowledge

Labcorp Genetics (formerly Invitae), Labcorp
Classification: Pathogenic. Last evaluated: 2025-04-11. Review status: criteria provided, single submitter. Criteria: Invitae Variant Classification Sherloc (09022015). Collection method: clinical testing. Allele origin: germline.
Comment: This sequence change creates a premature translational stop signal (p.Arg597*) in the OPHN1 gene. It is expected to result in an absent or disrupted protein product. Loss-of-function variants in OPHN1 are known to be pathogenic (PMID: 12807966). This variant is not present in population databases (gnomAD no frequency). This variant has not been reported in the literature in individuals affected with OPHN1-related conditions. ClinVar contains an entry for this variant (Variation ID: 3340962). For these reasons, this variant has been classified as Pathogenic.

Literature cited by the submitters: PubMed 12807966 (cited by Labcorp Genetics (formerly Invitae), Labcorp).